The following is an entry in ClinVar:

ClinVar aggregate classification (germline): Likely benign (0 of 4 stars; one submission).

Conditions:
ITGA4-related disorder. Also called: ITGA4-related condition.

Allele frequency attached by ClinVar (database versions not stated): ExAC 0.00048; 1000 Genomes Project 0.00100; 1000 Genomes Project 30x 0.00109; gnomAD 0.00174; TOPMed 0.00175; ESP Exome Variant Server 0.00193.
gnomAD v4.1: 525 of 1,606,254 alleles (0.033%); highest among the groups gnomAD compares: African/African-American, 0.56%; 1 homozygote.

Submission:

PreventionGenetics, part of Exact Sciences
Classification: Likely benign for ITGA4-related condition. Last evaluated: 2019-06-05. Review status: no assertion criteria provided. Collection method: clinical testing. Allele origin: germline.
Comment: This variant is classified as likely benign based on ACMG/AMP sequence variant interpretation guidelines (Richards et al. 2015 PMID: 25741868, with internal and published modifications).

NM_000885.6(ITGA4):c.1340-8T>A

Gene: ITGA4 (integrin subunit alpha 4; plus strand). Cytogenetic location: 2q31.3.
Variant type: single nucleotide variant.
Coding change: c.1340-8T>A on transcript NM_000885.6 (MANE Select); 8 bases into the intron before coding-DNA position 1340, T replaced by A.
Molecular consequence: intron variant.
Genome position (GRCh38, 1-based): chr2:181,495,363, T>A. VCF-style: chr2-181495363-T-A. GRCh37 (hg19) VCF-style: chr2-182360090-T-A.
Identifiers: ClinVar variation 3044797 (VCV003044797.2), dbSNP rs181661156, ClinGen allele CA2009616.
Genomic context (GRCh38, chr2:181,495,363, plus strand): 5'-TTATGGCTGAAAAATAATTCTCTTTGACTAATGATGATCATTAATCTGTGTTGTTTTTTA[T>A]CCTCCAGATGTAGCAGTTGGTGCTTTTCGGTCTGATTCTGCTGTCTTGCTAAGGTAAGAC-3'